The following is an entry in ClinVar:

NM_004817.4(TJP2):c.2434T>G (p.Phe812Val)

Gene: TJP2 (tight junction protein 2; plus strand). Cytogenetic location: 9q21.11.
Variant type: single nucleotide variant.
Coding change: c.2434T>G on transcript NM_004817.4 (MANE Select); coding-DNA position 2434, T replaced by G.
Protein change: p.Phe812Val; replaces phenylalanine 812 with valine.
Molecular consequence: missense variant.
Genome position (GRCh38, 1-based): chr9:69,240,015, T>G. VCF-style: chr9-69240015-T-G. GRCh37 (hg19) VCF-style: chr9-71854931-T-G.
Other names: c.2365T>G, p.Phe789Val (NM_001170414.2, NM_001369871.1); c.2446T>G, p.Phe816Val (NM_001170415.1, NM_001369874.1, NM_001369875.1); c.2527T>G, p.Phe843Val (NM_001170416.2); c.2359T>G, p.Phe787Val (NM_001369870.1); c.2434T>G, p.Phe812Val (NM_001369872.1, NM_001369873.1, NM_201629.3); short protein forms F787V, F789V, F812V, F816V, F843V.
Identifiers: ClinVar variation 2663613 (VCV002663613.1), dbSNP rs2538614371, ClinGen allele CA373534145.

ClinVar aggregate classification (germline): Uncertain significance (1 of 4 stars; one submission).

Submission:

GeneDx
Classification: Uncertain significance. Last evaluated: 2023-04-19. Review status: criteria provided, single submitter. Criteria: GeneDx Variant Classification Process June 2021. Collection method: clinical testing. Allele origin: germline. Affected: yes.
Comment: Not observed at significant frequency in large population cohorts (gnomAD); In silico analysis supports that this missense variant has a deleterious effect on protein structure/function; Has not been previously published as pathogenic or benign to our knowledge